The following is an entry in ClinVar:

NM_001365999.1(SZT2):c.4309-3C>T

Gene: SZT2 (SZT2 subunit of KICSTOR complex; plus strand). Cytogenetic location: 1p34.2.
Variant type: single nucleotide variant.
Coding change: c.4309-3C>T on transcript NM_001365999.1 (MANE Select); 3 bases into the intron before coding-DNA position 4309, C replaced by T.
Molecular consequence: intron variant.
Genome position (GRCh38, 1-based): chr1:43,430,008, C>T. VCF-style: chr1-43430008-C-T. GRCh37 (hg19) VCF-style: chr1-43895679-C-T.
Other names: c.4138-3C>T (NM_015284.4).
Identifiers: ClinVar variation 493039 (VCV000493039.50), dbSNP rs376401769, ClinGen allele CA809247.

ClinVar aggregate classification (germline): Uncertain significance. Review status: criteria provided, multiple submitters, no conflicts (2 of 4 stars). 3 submissions from 3 submitters: Uncertain significance (3). Last evaluated 2023-04-11.

Conditions:
Developmental and epileptic encephalopathy, 18 (DEE18). Also called: Early infantile epileptic encephalopathy 18. Identifiers: Orphanet 369894, MedGen C3809624, MONDO:0014201, OMIM 615476.

Allele frequency attached by ClinVar (database versions not stated): gnomAD 0.00002; gnomAD exomes 0.00002 and 0.00004; TOPMed 0.00003; ExAC 0.00006; ESP Exome Variant Server 0.00008.
gnomAD v4.1: 37 of 1,614,068 alleles (0.0023%); highest among the groups gnomAD compares: Non-Finnish European, 0.0031%; no homozygotes.

Submissions (4):

Genome-Nilou Lab
Classification: Uncertain significance for Developmental and epileptic encephalopathy, 18. Last evaluated: 2023-04-11. Review status: criteria provided, single submitter. Criteria: ACMG Guidelines, 2015. Collection method: clinical testing. Allele origin: germline. Affected: no.

CeGaT Center for Human Genetics Tuebingen
Classification: Uncertain significance. Last evaluated: 2022-12-01. Review status: criteria provided, single submitter. Criteria: CeGaT Center For Human Genetics Tuebingen Variant Classification Criteria Version 2. Collection method: clinical testing. Allele origin: germline. Affected: yes. Observed: 1 variant allele.
Comment: SZT2: BP4

Labcorp Genetics (formerly Invitae), Labcorp
Classification: Uncertain significance. Last evaluated: 2022-07-13. Review status: criteria provided, single submitter. Criteria: Invitae Variant Classification Sherloc (09022015). Collection method: clinical testing. Allele origin: germline.
Comment: This sequence change falls in intron 28 of the SZT2 gene. It does not directly change the encoded amino acid sequence of the SZT2 protein. It affects a nucleotide within the consensus splice site. This variant is present in population databases (rs376401769, gnomAD 0.008%). This variant has not been reported in the literature in individuals affected with SZT2-related conditions. ClinVar contains an entry for this variant (Variation ID: 493039). Variants that disrupt the consensus splice site are a relatively common cause of aberrant splicing (PMID: 17576681, 9536098). Algorithms developed to predict the effect of sequence changes on RNA splicing suggest that this variant is not likely to affect RNA splicing. In summary, the available evidence is currently insufficient to determine the role of this variant in disease. Therefore, it has been classified as a Variant of Uncertain Significance.

Dr. Peter K. Rogan Lab, Western University
No classification provided (evidence only). Condition: Chronic lymphocytic leukemia/small lymphocytic lymphoma. Review status: no classification provided. Collection method: in vitro. Allele origin: not applicable. Functional consequence: retained intron. Not counted in ClinVar's aggregate classification.

Literature cited by the submitters: PubMed 17576681 (cited by Labcorp Genetics (formerly Invitae), Labcorp); PubMed 9536098 (cited by Labcorp Genetics (formerly Invitae), Labcorp).